The following is an entry in ClinVar:

ClinVar aggregate classification (germline): Uncertain significance (1 of 4 stars; one submission).

Conditions:
Immunodeficiency 51 (IMD51). Also called: CANDIDIASIS, FAMILIAL, 5. Identifiers: Orphanet 1334, MedGen C4310803, MONDO:0013500, OMIM 613953.

Submission:

Labcorp Genetics (formerly Invitae), Labcorp
Classification: Uncertain significance for Immunodeficiency 51. Last evaluated: 2023-10-03. Review status: criteria provided, single submitter. Criteria: Invitae Variant Classification Sherloc (09022015). Collection method: clinical testing. Allele origin: germline.
Comment: This sequence change creates a premature translational stop signal (p.Glu607*) in the IL17RA gene. While this is not anticipated to result in nonsense mediated decay, it is expected to disrupt the last 260 amino acid(s) of the IL17RA protein. This variant is not present in population databases (gnomAD no frequency). This variant has not been reported in the literature in individuals affected with IL17RA-related conditions. ClinVar contains an entry for this variant (Variation ID: 2088492). In summary, the available evidence is currently insufficient to determine the role of this variant in disease. Therefore, it has been classified as a Variant of Uncertain Significance.

NM_014339.7(IL17RA):c.1818dup (p.Glu607Ter)

Gene: IL17RA (interleukin 17 receptor A; plus strand). Cytogenetic location: 22q11.1.
Variant type: Duplication.
Coding change: c.1818dup on transcript NM_014339.7 (MANE Select); coding-DNA position 1818, one base duplicated (T; older notation c.1818dupT).
Protein change: p.Glu607Ter; replaces glutamic acid 607 with a stop codon.
Molecular consequence: nonsense.
Genome position (GRCh38, 1-based): chr22:17,109,037, T duplicated; the last of 3 consecutive T bases (chr22:17,109,035-17,109,037); duplicating any one gives the same sequence. VCF-style (leftmost placement, unchanged base first): chr22-17109034-G-GT. GRCh37 (hg19) VCF-style: chr22-17589924-G-GT.
Other names: c.1716dup, p.Glu573Ter (NM_001289905.2); short protein forms E607*, E573*.
Identifiers: ClinVar variation 2088492 (VCV002088492.4), dbSNP rs2517174563, ClinGen allele CA2580099070.
Genomic context (GRCh38, chr22:17,109,034, plus strand): 5'-CGAATGTGAGAACCTCTACTCAGCAGATGACCAGGATGCCCCGTCCCTGGACGAAGAGGT[G>GT]TTTGAGGAGCCACTGCTGCCTCCGGGAACCGGCATCGTGAAGCGGGCGCCCCTGGTGCGC-3'